The following is an entry in ClinVar:

ClinVar aggregate classification (germline): Uncertain significance. Review status: criteria provided, multiple submitters, no conflicts (2 of 4 stars). 2 submissions from 2 submitters: Uncertain significance (2). Last evaluated 2024-05-20.

Submissions (2):

Ambry Genetics
Classification: Uncertain significance. Last evaluated: 2024-05-20. Review status: criteria provided, single submitter. Criteria: Ambry Variant Classification Scheme 2023. Collection method: clinical testing. Allele origin: germline.

Labcorp Genetics (formerly Invitae), Labcorp
Classification: Uncertain significance. Last evaluated: 2024-03-12. Review status: criteria provided, single submitter. Criteria: Invitae Variant Classification Sherloc (09022015). Collection method: clinical testing. Allele origin: germline.
Comment: This sequence change replaces asparagine, which is neutral and polar, with aspartic acid, which is acidic and polar, at codon 307 of the OAS1 protein (p.Asn307Asp). This variant is present in population databases (rs768548013, gnomAD 0.0009%). This variant has not been reported in the literature in individuals affected with OAS1-related conditions. Algorithms developed to predict the effect of missense changes on protein structure and function output the following: SIFT: "Not Available"; PolyPhen-2: "Possibly Damaging"; Align-GVGD: "Not Available". The aspartic acid amino acid residue is found in multiple mammalian species, which suggests that this missense change does not adversely affect protein function. In summary, the available evidence is currently insufficient to determine the role of this variant in disease. Therefore, it has been classified as a Variant of Uncertain Significance.

NM_016816.4(OAS1):c.919A>G (p.Asn307Asp)

Gene: OAS1 (2'-5'-oligoadenylate synthetase 1; plus strand). Cytogenetic location: 12q24.13.
Variant type: single nucleotide variant.
Coding change: c.919A>G on transcript NM_016816.4 (MANE Select); coding-DNA position 919, A replaced by G.
Protein change: p.Asn307Asp; replaces asparagine 307 with aspartic acid.
Molecular consequence: missense variant. On other transcripts: non-coding transcript variant (9).
Genome position (GRCh38, 1-based): chr12:112,917,581, A>G. VCF-style: chr12-112917581-A-G. GRCh37 (hg19) VCF-style: chr12-113355386-A-G.
Other names: c.919A>G, p.Asn307Asp (NM_001032409.3, NM_001320151.2, NM_001406022.1 and 1 more transcripts); c.895A>G, p.Asn299Asp (NM_001406020.1, NM_001406021.1, NM_001406023.1 and 2 more transcripts); c.445A>G, p.Asn149Asp (NM_001406026.1, NM_001406027.1, NM_001406029.1 and 1 more transcripts); short protein forms N149D, N299D, N307D.
Identifiers: ClinVar variation 3301792 (VCV003301792.3).